The following is an entry in ClinVar:

NM_001355436.2(SPTB):c.648-36_648-17del

Gene: SPTB (spectrin beta, erythrocytic; minus strand). Cytogenetic location: 14q23.3.
Variant type: Deletion.
Coding change: c.648-36_648-17del on transcript NM_001355436.2 (MANE Select); 36 bases into the intron before coding-DNA position 648 through 17 bases into the intron before coding-DNA position 648, 20 bases deleted (GGCTACTCCCTTTTCACAGT).
Molecular consequence: intron variant.
Genome position (GRCh38, 1-based): chr14:64,801,417-64,801,436, ACTGTGAAAAGGGAGTAGCC deleted on the plus strand (GGCTACTCCCTTTTCACAGT on the coding strand, the reverse complement: SPTB is on the minus strand); deleting any 20 consecutive bases within chr14:64,801,417-64,801,438 gives the same sequence; the c. name uses the placement nearest the transcript's 3' end. VCF-style (leftmost placement, unchanged base first): chr14-64801416-GACTGTGAAAAGGGAGTAGCC-G. GRCh37 (hg19) VCF-style: chr14-65268134-GACTGTGAAAAGGGAGTAGCC-G.
Other names: c.648-36_648-17del (NM_001024858.4, NM_001355437.2).
Identifiers: ClinVar variation 2683263 (VCV002683263.1), dbSNP rs2503208023, ClinGen allele CA2697554051.

ClinVar aggregate classification (germline): Uncertain significance (1 of 4 stars; one submission).

Submission:

Mayo Clinic Laboratories, Mayo Clinic
Classification: Uncertain significance. Last evaluated: 2023-03-01. Review status: criteria provided, single submitter. Criteria: ACMG Guidelines, 2015. Collection method: clinical testing. Allele origin: germline. Observed: 2 variant alleles.
Comment: PP3, PM2